The following is an entry in ClinVar:

NM_000540.3(RYR1):c.10499G>C (p.Gly3500Ala)

Gene: RYR1 (ryanodine receptor 1; plus strand). Cytogenetic location: 19q13.2.
Variant type: single nucleotide variant.
Coding change: c.10499G>C on transcript NM_000540.3 (MANE Select); coding-DNA position 10499, G replaced by C.
Protein change: p.Gly3500Ala; replaces glycine 3500 with alanine.
Molecular consequence: missense variant.
Genome position (GRCh38, 1-based): chr19:38,525,375, G>C. VCF-style: chr19-38525375-G-C. GRCh37 (hg19) VCF-style: chr19-39016015-G-C.
Other names: c.10484G>C, p.Gly3495Ala (NM_001042723.2); short protein forms G3500A, G3495A.
Identifiers: ClinVar variation 4087906 (VCV004087906.1).

ClinVar aggregate classification (germline): Uncertain significance (1 of 4 stars; one submission).

gnomAD v4.1: 1 of 1,614,006 alleles (0.000062%); highest among the groups gnomAD compares: Admixed American, 0.0017%; no homozygotes.

Submission:

GeneDx
Classification: Uncertain significance. Last evaluated: 2025-03-27. Review status: criteria provided, single submitter. Criteria: GeneDx Variant Classification Process June 2021. Collection method: clinical testing. Allele origin: germline. Affected: yes.
Comment: Not observed at significant frequency in large population cohorts (gnomAD); In silico analysis supports that this missense variant has a deleterious effect on protein structure/function; Has not been previously published as pathogenic or benign to our knowledge